The following is an entry in ClinVar:

NM_015687.5(FILIP1):c.2553T>C (p.Ser851=)

Gene: FILIP1 (filamin A interacting protein 1; minus strand). Cytogenetic location: 6q14.1.
Variant type: single nucleotide variant.
Coding change: c.2553T>C on transcript NM_015687.5 (MANE Select); coding-DNA position 2553, T replaced by C.
Protein change: p.Ser851=; no amino-acid change (serine 851 retained).
Molecular consequence: synonymous variant.
Genome position (GRCh38, 1-based): chr6:75,313,279, A>G on the plus strand (T>C on the coding strand, the complement: FILIP1 is on the minus strand). VCF-style: chr6-75313279-A-G. GRCh37 (hg19) VCF-style: chr6-76022995-A-G.
Other names: c.2553T>C, p.Ser851= (NM_001300866.3); c.2562T>C, p.Ser854= (NM_001289987.3).
Identifiers: ClinVar variation 5041314 (VCV005041314.1).
Genomic context (GRCh38, chr6:75,313,279, plus strand): 5'-TGGAATCCAAGACTTTCTCATAGTGAGCTCATTTGCTGCTGGAGGATACCTGTCTAGAAC[A>G]GAAGATCTTTCCACGGGTTTCTTCAATCCCACCTGCCGAAGATTACTCATAATATGATTT-3'
Protein context (NP_056502.1, residues 841-861): VGLKKPVERS[Ser851=]VLDRYPPAAN

ClinVar aggregate classification (germline): Likely benign (1 of 4 stars; one submission).

gnomAD v4.1: 7 of 1,614,088 alleles (0.00043%); highest among the groups gnomAD compares: Admixed American, 0.0033%; no homozygotes.

Submission:

CeGaT Center for Human Genetics Tuebingen
Classification: Likely benign. Last evaluated: 2026-10-01. Review status: criteria provided, single submitter. Criteria: CeGaT Center For Human Genetics Tuebingen Variant Classification Criteria Version 2. Collection method: clinical testing. Allele origin: germline. Affected: yes. Observed: 1 variant allele.
Comment: FILIP1: BP4, BP7